The following is an entry in ClinVar:

NM_138959.3(VANGL1):c.*25A>T

Gene: VANGL1 (VANGL planar cell polarity protein 1; plus strand). Cytogenetic location: 1p13.1.
Variant type: single nucleotide variant.
Coding change: c.*25A>T on transcript NM_138959.3 (MANE Select); 25 bases downstream of the stop codon, A replaced by T.
Molecular consequence: 3 prime UTR variant.
Genome position (GRCh38, 1-based): chr1:115,691,404, A>T. VCF-style: chr1-115691404-A-T. GRCh37 (hg19) VCF-style: chr1-116234025-A-T.
Other names: c.*25A>T (NM_001172411.2, NM_001172412.2).
Identifiers: ClinVar variation 875537 (VCV000875537.4), dbSNP rs577473121, ClinGen allele CA1023575.
Genomic context (GRCh38, chr1:115,691,404, plus strand): 5'-TTTGTCCTTCGCTTACAGTCTGAGACATCCGTTTAAAAGTTCTATATTTGTGGCTTTATT[A>T]AAAAAAAAAGAAAAATATATAGAGAGATATATATCTATGCCAGAGGGGTGTCTTTTTTAA-3'

ClinVar aggregate classification (germline): Conflicting classifications of pathogenicity. Review status: criteria provided, conflicting classifications (1 of 4 stars). 2 submissions from 1 submitter: Uncertain significance (1); Benign (1). Last evaluated 2018-01-12.

Conditions:
Neural tube defect (NTD). Also called: Neural tube defects. Identifiers: Orphanet 3388, Orphanet 823, MedGen C0027794, MONDO:0018075, HP:0045005.
Sacral defect with anterior meningocele. Identifiers: MedGen C1838568, OMIM 600145.

Allele frequency attached by ClinVar (database versions not stated): gnomAD 0.00018 and 0.00024; TOPMed 0.00030; gnomAD exomes 0.00031 and 0.00080; ExAC 0.00077.
gnomAD v4.1: 435 of 1,401,264 alleles (0.031%); highest among the groups gnomAD compares: South Asian, 0.26%; 5 homozygotes.

Submissions (2):

Illumina Laboratory Services, Illumina
Classification: Uncertain significance for Neural tube defects, susceptibility to. Last evaluated: 2018-01-12. Review status: criteria provided, single submitter. Criteria: ICSL Variant Classification Criteria 13 December 2019. Collection method: clinical testing. Allele origin: germline.

Illumina Laboratory Services, Illumina
Classification: Benign for Sacral defect with anterior meningocele. Last evaluated: 2018-01-12. Review status: criteria provided, single submitter. Criteria: ICSL Variant Classification Criteria 13 December 2019. Collection method: clinical testing. Allele origin: germline.
Comment: This variant was observed in the ICSL laboratory as part of a predisposition screen in an ostensibly healthy population. It had not been previously curated by ICSL or reported in the Human Gene Mutation Database (HGMD: prior to June 1st, 2018), and was therefore a candidate for classification through an automated scoring system. Utilizing variant allele frequency, disease prevalence and penetrance estimates, and inheritance mode, an automated score was calculated to assess if this variant is too frequent to cause the disease. Based on the score and internal cut-off values, a variant classified as benign is not then subjected to further curation. The score for this variant resulted in a classification of benign for this disease.